The following is an entry in ClinVar:

ClinVar aggregate classification (germline): Uncertain significance (1 of 4 stars; one submission).

Conditions:
Familial hypocalciuric hypercalcemia (FHH). Also called: Familial benign hypercalcemia. Identifiers: Orphanet 405, MedGen C1809471, MONDO:0018458.
Autosomal dominant hypocalcemia 1 (HYPOC1). Also called: HYPOCALCEMIA, FAMILIAL. Identifiers: MedGen C3715128, MONDO:0011013, OMIM 601198.

Submission:

Labcorp Genetics (formerly Invitae), Labcorp
Classification: Uncertain significance for Familial hypocalciuric hypercalcemia; Autosomal dominant hypocalcemia 1. Last evaluated: 2020-12-24. Review status: criteria provided, single submitter. Criteria: Invitae Variant Classification Sherloc (09022015). Collection method: clinical testing. Allele origin: germline.
Comment: In summary, the available evidence is currently insufficient to determine the role of this variant in disease. Therefore, it has been classified as a Variant of Uncertain Significance. This sequence change replaces isoleucine with asparagine at codon 280 of the CASR protein (p.Ile280Asn). The isoleucine residue is highly conserved and there is a large physicochemical difference between isoleucine and asparagine. This variant is not present in population databases (ExAC no frequency). This variant has not been reported in the literature in individuals with CASR-related disease. Algorithms developed to predict the effect of missense changes on protein structure and function (SIFT, PolyPhen-2, Align-GVGD) all suggest that this variant is likely to be disruptive, but these predictions have not been confirmed by published functional studies and their clinical significance is uncertain.

NM_000388.4(CASR):c.839T>A (p.Ile280Asn)

Gene: CASR (calcium sensing receptor; plus strand). Cytogenetic location: 3q21.1.
Variant type: single nucleotide variant.
Coding change: c.839T>A on transcript NM_000388.4 (MANE Select); coding-DNA position 839, T replaced by A.
Protein change: p.Ile280Asn; replaces isoleucine 280 with asparagine.
Molecular consequence: missense variant.
Genome position (GRCh38, 1-based): chr3:122,261,874, T>A. VCF-style: chr3-122261874-T-A. GRCh37 (hg19) VCF-style: chr3-121980721-T-A.
Other names: c.839T>A, p.Ile280Asn (NM_001178065.2); short protein forms I280N.
Identifiers: ClinVar variation 574903 (VCV000574903.10), dbSNP rs1559959234, ClinGen allele CA354151464.